The following is an entry in ClinVar:

ClinVar aggregate classification (germline): Uncertain significance (1 of 4 stars; one submission).

Submission:

GeneDx
Classification: Uncertain significance. Last evaluated: 2025-02-10. Review status: criteria provided, single submitter. Criteria: GeneDx Variant Classification Process June 2021. Collection method: clinical testing. Allele origin: germline. Affected: yes.
Comment: Reported in an individual with nonsyndromic craniosynostosis, however, only the RUNX2 gene was evaluated (PMID: 32360898); Not observed at significant frequency in large population cohorts (gnomAD); In silico analysis supports that this missense variant has a deleterious effect on protein structure/function; This variant is associated with the following publications: (PMID: 32360898)

NM_001024630.4(RUNX2):c.1361A>G (p.Tyr454Cys)

Gene: RUNX2 (RUNX family transcription factor 2; plus strand). Cytogenetic location: 6p21.1.
Variant type: single nucleotide variant.
Coding change: c.1361A>G on transcript NM_001024630.4 (MANE Select); coding-DNA position 1361, A replaced by G.
Protein change: p.Tyr454Cys; replaces tyrosine 454 with cysteine.
Molecular consequence: missense variant.
Genome position (GRCh38, 1-based): chr6:45,547,100, A>G. VCF-style: chr6-45547100-A-G. GRCh37 (hg19) VCF-style: chr6-45514837-A-G.
Other names: c.1295A>G, p.Tyr432Cys (NM_001015051.4); c.1253A>G, p.Tyr418Cys (NM_001278478.2); c.1319A>G, p.Tyr440Cys (NM_001369405.1); short protein forms Y418C, Y432C, Y440C, Y454C.
Identifiers: ClinVar variation 4074384 (VCV004074384.1).